The following is an entry in ClinVar:

ClinVar aggregate classification (germline): Conflicting classifications of pathogenicity. Review status: criteria provided, conflicting classifications (1 of 4 stars). 7 submissions from 6 submitters: Uncertain significance (3); Likely benign (3). 1 of the submissions does not count toward it. Last evaluated 2025-12-15.

Conditions:
NPHP4-related disorder. Also called: NPHP4-related disorders; NPHP4-related condition. Identifiers: MedGen CN239384.
Nephronophthisis. Also called: Juvenile Nephronophthisis. Identifiers: Orphanet 655, MedGen C0687120, MONDO:0019005, HP:0000090.
Senior-Loken syndrome 4 (SLSN4). Identifiers: Orphanet 3156, MedGen C1846979, MONDO:0011756, OMIM 606996.
Nephronophthisis 4 (NPHP4). Also called: NEPHRONOPHTHISIS 4, JUVENILE. Identifiers: Orphanet 655, MedGen C1847013, MONDO:0011752, OMIM 606966.

Allele frequency attached by ClinVar (database versions not stated): TOPMed 0.00002; 1000 Genomes Project 0.00040; 1000 Genomes Project 30x 0.00062.
gnomAD v4.1: 296 of 1,613,646 alleles (0.018%); highest among the groups gnomAD compares: South Asian, 0.29%; 5 homozygotes.

Submissions (7):

Labcorp Genetics (formerly Invitae), Labcorp
Classification: Likely benign for Nephronophthisis. Last evaluated: 2025-12-15. Review status: criteria provided, single submitter. Criteria: Invitae Variant Classification Sherloc (09022015). Collection method: clinical testing. Allele origin: germline.

Blueprint Genetics
Classification: Likely benign. Last evaluated: 2024-11-19. Review status: criteria provided, single submitter. Criteria: ACMG Guidelines, 2015. Collection method: clinical testing. Allele origin: germline.

Mayo Clinic Laboratories, Mayo Clinic
Classification: Uncertain significance. Last evaluated: 2022-01-05. Review status: criteria provided, single submitter. Criteria: ACMG Guidelines, 2015. Collection method: clinical testing. Allele origin: germline.

Illumina Laboratory Services, Illumina
Classification: Likely benign for Senior-Loken syndrome 4. Last evaluated: 2018-01-13. Review status: criteria provided, single submitter. Criteria: ICSL Variant Classification Criteria 13 December 2019. Collection method: clinical testing. Allele origin: germline.
Comment: This variant was observed in the ICSL laboratory as part of a predisposition screen in an ostensibly healthy population. It had not been previously curated by ICSL or reported in the Human Gene Mutation Database (HGMD: prior to June 1st, 2018), and was therefore a candidate for classification through an automated scoring system. Utilizing variant allele frequency, disease prevalence and penetrance estimates, and inheritance mode, an automated score was calculated to assess if this variant is too frequent to cause the disease. Based on the score and internal cut-off values, a variant classified as likely benign is not then subjected to further curation. The score for this variant resulted in a classification of likely benign for this disease.

Illumina Laboratory Services, Illumina
Classification: Uncertain significance for Nephronophthisis 4. Last evaluated: 2018-01-13. Review status: criteria provided, single submitter. Criteria: ICSL Variant Classification Criteria 13 December 2019. Collection method: clinical testing. Allele origin: germline.

Eurofins Ntd Llc (ga)
Classification: Uncertain significance. Last evaluated: 2017-10-12. Review status: criteria provided, single submitter. Criteria: EGL Classification Definitions 2015. Collection method: clinical testing. Allele origin: germline. Observed: 1 variant allele, 1 heterozygote.

PreventionGenetics, part of Exact Sciences
Classification: Likely benign for NPHP4-related condition. Last evaluated: 2022-02-03. Review status: no assertion criteria provided. Collection method: clinical testing. Allele origin: germline. Not counted in ClinVar's aggregate classification.
Comment: This variant is classified as likely benign based on ACMG/AMP sequence variant interpretation guidelines (Richards et al. 2015 PMID: 25741868, with internal and published modifications).

NM_015102.5(NPHP4):c.3758G>A (p.Arg1253Gln)

Gene: NPHP4 (nephrocystin 4; minus strand). Cytogenetic location: 1p36.31.
Variant type: single nucleotide variant.
Coding change: c.3758G>A on transcript NM_015102.5 (MANE Select); coding-DNA position 3758, G replaced by A.
Protein change: p.Arg1253Gln; replaces arginine 1253 with glutamine.
Molecular consequence: missense variant. On other transcripts: non-coding transcript variant (1).
Genome position (GRCh38, 1-based): chr1:5,865,160, C>T on the plus strand (G>A on the coding strand, the complement: NPHP4 is on the minus strand). VCF-style: chr1-5865160-C-T. GRCh37 (hg19) VCF-style: chr1-5925220-C-T.
Other names: p.Arg1253Gln; c.2219G>A, p.Arg740Gln (NM_001291593.2); c.2222G>A, p.Arg741Gln (NM_001291594.2); c.3758G>A (NM_015102.4); short protein forms R1253Q, R740Q, R741Q.
Identifiers: ClinVar variation 297788 (VCV000297788.22), dbSNP rs560944258, ClinGen allele CA553479.
Genomic context (GRCh38, chr1:5,865,160, plus strand): 5'-ACCTTCAGCTCCTGGGGATGAGAGGTGAAAGCTCTCACTTTCCTCACTGTCTGTGTCCCC[C>T]GAAGGACAAGGGACAGGCGGGTCAGCTGGCCTGCGACGCAGGAGACATCCACGCGCTGCA-3'
Protein context (NP_055917.1, residues 1243-1263): GQLTRLSLVL[Arg1253Gln]GTQTVRKVRA